The following is an entry in ClinVar:

ClinVar aggregate classification (germline): Benign/Likely benign. Review status: criteria provided, multiple submitters, no conflicts (2 of 4 stars). 4 submissions from 4 submitters: Benign (3); Likely benign (1). Last evaluated 2026-01-26.

Conditions:
Pyruvate dehydrogenase E1-alpha deficiency (PDHAD). Also called: ATAXIA, INTERMITTENT, WITH PYRUVATE DEHYDROGENASE DEFICIENCY; ATAXIA WITH LACTIC ACIDOSIS I; ATAXIA, INTERMITTENT, WITH ABNORMAL PYRUVATE METABOLISM; Ataxia, intermittent, with pyruvate dehydrogenase, or decarboxylase, deficiency. Identifiers: Orphanet 79243, MedGen C1839413, MONDO:0010717, OMIM 312170.

Allele frequency attached by ClinVar (database versions not stated): gnomAD exomes 0.00029 and 0.00081; ExAC 0.00095; 1000 Genomes Project 0.00238; 1000 Genomes Project 30x 0.00250; gnomAD 0.00291 and 0.00312; TOPMed 0.00307; ESP Exome Variant Server 0.00398.

Submissions (4):

Labcorp Genetics (formerly Invitae), Labcorp
Classification: Benign for Pyruvate dehydrogenase E1-alpha deficiency. Last evaluated: 2026-01-26. Review status: criteria provided, single submitter. Criteria: Invitae Variant Classification Sherloc (09022015). Collection method: clinical testing. Allele origin: germline.

Blueprint Genetics
Classification: Likely benign. Last evaluated: 2024-09-12. Review status: criteria provided, single submitter. Criteria: ACMG Guidelines, 2015. Collection method: clinical testing. Allele origin: germline.

GeneDx
Classification: Benign. Last evaluated: 2015-10-22. Review status: criteria provided, single submitter. Criteria: GeneDx Variant Classification (06012015). Collection method: clinical testing. Allele origin: germline. Affected: yes.
Comment: This variant is considered likely benign or benign based on one or more of the following criteria: it is a conservative change, it occurs at a poorly conserved position in the protein, it is predicted to be benign by multiple in silico algorithms, and/or has population frequency not consistent with disease.

Breakthrough Genomics
Classification: Benign. Review status: criteria provided, single submitter. Criteria: ACMG Guidelines, 2015. Collection method: not provided. Allele origin: germline. Inheritance: X-linked inheritance. Affected: yes.

NM_000284.4(PDHA1):c.510+12C>T

Gene: PDHA1 (pyruvate dehydrogenase E1 subunit alpha 1; plus strand). Cytogenetic location: Xp22.12.
Variant type: single nucleotide variant.
Coding change: c.510+12C>T on transcript NM_000284.4 (MANE Select); 12 bases into the intron after coding-DNA position 510, C replaced by T.
Molecular consequence: intron variant.
Genome position (GRCh38, 1-based): chrX:19,353,185, C>T. VCF-style: chrX-19353185-C-T. GRCh37 (hg19) VCF-style: chrX-19371303-C-T.
Other names: c.624+12C>T (NM_001173454.2); c.531+12C>T (NM_001173455.2); c.510+12C>T (NM_001173456.2).
Identifiers: ClinVar variation 378340 (VCV000378340.11), dbSNP rs201869402, ClinGen allele CA10363044.